The following is an entry in ClinVar:

ClinVar aggregate classification (germline): Uncertain significance. Review status: criteria provided, multiple submitters, no conflicts (2 of 4 stars). 3 submissions from 3 submitters: Uncertain significance (3). Last evaluated 2025-09-11.

Conditions:
Multiple acyl-CoA dehydrogenase deficiency (MADD). Also called: Glutaric acidemia type II; GA 2; Glutaric aciduria, type 2; ETHYLMALONIC-ADIPICACIDURIA; GA II; Glutaric Acidemia type 2. Identifiers: Orphanet 26791, MedGen C0268596, MONDO:0009282, OMIM 231680.
Inborn genetic diseases. Identifiers: MedGen C0950123, MeSH D030342.

Allele frequency attached by ClinVar (database versions not stated): ExAC 0.00001; gnomAD exomes 0.00001.

Submissions (3):

Ambry Genetics
Classification: Uncertain significance for Inborn genetic diseases. Last evaluated: 2025-09-11. Review status: criteria provided, single submitter. Criteria: Ambry Variant Classification Scheme 2023. Collection method: clinical testing. Allele origin: germline.

GeneDx
Classification: Uncertain significance. Last evaluated: 2025-06-30. Review status: criteria provided, single submitter. Criteria: GeneDx Variant Classification Process June 2021. Collection method: clinical testing. Allele origin: germline. Affected: yes.
Comment: Not observed at significant frequency in large population cohorts (gnomAD); In silico analysis supports that this missense variant has a deleterious effect on protein structure/function; Has not been previously published as pathogenic or benign to our knowledge

Labcorp Genetics (formerly Invitae), Labcorp
Classification: Uncertain significance for Multiple acyl-CoA dehydrogenase deficiency. Last evaluated: 2024-05-06. Review status: criteria provided, single submitter. Criteria: Invitae Variant Classification Sherloc (09022015). Collection method: clinical testing. Allele origin: germline.
Comment: This sequence change replaces leucine, which is neutral and non-polar, with proline, which is neutral and non-polar, at codon 486 of the ETFDH protein (p.Leu486Pro). This variant is present in population databases (rs751839607, gnomAD 0.006%). This variant has not been reported in the literature in individuals affected with ETFDH-related conditions. ClinVar contains an entry for this variant (Variation ID: 1463191). Advanced modeling of protein sequence and biophysical properties (such as structural, functional, and spatial information, amino acid conservation, physicochemical variation, residue mobility, and thermodynamic stability) performed at Invitae indicates that this missense variant is not expected to disrupt ETFDH protein function with a negative predictive value of 80%. In summary, the available evidence is currently insufficient to determine the role of this variant in disease. Therefore, it has been classified as a Variant of Uncertain Significance.

NM_004453.4(ETFDH):c.1457T>C (p.Leu486Pro)

Gene: ETFDH (electron transfer flavoprotein dehydrogenase; plus strand). Cytogenetic location: 4q32.1.
Variant type: single nucleotide variant.
Coding change: c.1457T>C on transcript NM_004453.4 (MANE Select); coding-DNA position 1457, T replaced by C.
Protein change: p.Leu486Pro; replaces leucine 486 with proline.
Molecular consequence: missense variant.
Genome position (GRCh38, 1-based): chr4:158,706,360, T>C. VCF-style: chr4-158706360-T-C. GRCh37 (hg19) VCF-style: chr4-159627512-T-C.
Other names: c.1316T>C, p.Leu439Pro (NM_001281737.2); c.1274T>C, p.Leu425Pro (NM_001281738.1); c.1457T>C (NM_004453.2); short protein forms L425P, L486P, L439P.
Identifiers: ClinVar variation 1463191 (VCV001463191.8), dbSNP rs751839607, ClinGen allele CA3122625.